The following is an entry in ClinVar:

NM_024675.4(PALB2):c.1458A>C (p.Lys486Asn)

Gene: PALB2 (partner and localizer of BRCA2; minus strand). Cytogenetic location: 16p12.2.
Variant type: single nucleotide variant.
Coding change: c.1458A>C on transcript NM_024675.4 (MANE Select); coding-DNA position 1458, A replaced by C.
Protein change: p.Lys486Asn; replaces lysine 486 with asparagine.
Molecular consequence: missense variant. On other transcripts: intron variant (3).
Genome position (GRCh38, 1-based): chr16:23,635,088, T>G on the plus strand (A>C on the coding strand, the complement: PALB2 is on the minus strand). VCF-style: chr16-23635088-T-G. GRCh37 (hg19) VCF-style: chr16-23646409-T-G.
Other names: c.1398A>C, p.Lys466Asn (NM_001407296.1); c.1458A>C, p.Lys486Asn (NM_001407297.1, NM_001407298.1, NM_001407299.1 and 3 more transcripts); c.573A>C, p.Lys191Asn (NM_001407304.1, NM_001407305.1, NM_001407306.1 and 5 more transcripts); c.49-5813A>C (NM_001407314.1); c.-104-4619A>C (NM_001407313.1, NM_001407312.1); short protein forms K191N, K466N, K486N.
Identifiers: ClinVar variation 2764542 (VCV002764542.3), dbSNP rs1555461270, ClinGen allele CA395131205.

ClinVar aggregate classification (germline): Uncertain significance (1 of 4 stars; one submission).

Conditions:
Familial cancer of breast. Also called: Hereditary breast cancer; BREAST CANCER, FAMILIAL; hereditary breast carcinoma. Identifiers: Orphanet 227535, MedGen C0346153, MONDO:0016419, OMIM 114480. Disease mechanism: loss of function.

Submission:

Labcorp Genetics (formerly Invitae), Labcorp
Classification: Uncertain significance for Familial cancer of breast. Last evaluated: 2023-12-01. Review status: criteria provided, single submitter. Criteria: Invitae Variant Classification Sherloc (09022015). Collection method: clinical testing. Allele origin: germline.
Comment: This sequence change replaces lysine, which is basic and polar, with asparagine, which is neutral and polar, at codon 486 of the PALB2 protein (p.Lys486Asn). This variant is not present in population databases (gnomAD no frequency). This variant has not been reported in the literature in individuals affected with PALB2-related conditions. Advanced modeling of protein sequence and biophysical properties (such as structural, functional, and spatial information, amino acid conservation, physicochemical variation, residue mobility, and thermodynamic stability) performed at Invitae indicates that this missense variant is not expected to disrupt PALB2 protein function with a negative predictive value of 80%. In summary, the available evidence is currently insufficient to determine the role of this variant in disease. Therefore, it has been classified as a Variant of Uncertain Significance.